The following is an entry in ClinVar:

NM_001232.4(CASQ2):c.884A>G (p.Asn295Ser)

Gene: CASQ2 (calsequestrin 2; minus strand). Cytogenetic location: 1p13.1.
Variant type: single nucleotide variant.
Coding change: c.884A>G on transcript NM_001232.4 (MANE Select); coding-DNA position 884, A replaced by G.
Protein change: p.Asn295Ser; replaces asparagine 295 with serine.
Molecular consequence: missense variant.
Genome position (GRCh38, 1-based): chr1:115,705,247, T>C on the plus strand (A>G on the coding strand, the complement: CASQ2 is on the minus strand). VCF-style: chr1-115705247-T-C. GRCh37 (hg19) VCF-style: chr1-116247868-T-C.
Other names: short protein forms N295S.
Identifiers: ClinVar variation 1419250 (VCV001419250.9), dbSNP rs781565627, ClinGen allele CA1023703.

ClinVar aggregate classification (germline): Uncertain significance (1 of 4 stars; one submission).

Conditions:
Catecholaminergic polymorphic ventricular tachycardia 1. Also called: RYR2-Related Catecholaminergic Polymorphic Ventricular Tachycardia; VENTRICULAR TACHYCARDIA, STRESS-INDUCED POLYMORPHIC 1; VENTRICULAR TACHYCARDIA, CATECHOLAMINERGIC POLYMORPHIC, 1, WITH OR WITHOUT ATRIAL DYSFUNCTION AND/OR DILATED CARDIOMYOPATHY. Identifiers: Orphanet 3286, MedGen C1631597, MONDO:0011484, OMIM 604772.

Allele frequency attached by ClinVar (database versions not stated): gnomAD exomes below 0.00001; ExAC 0.00001; gnomAD 0.00001.
gnomAD v4.1: 4 of 1,614,022 alleles (0.00025%); highest among the groups gnomAD compares: Admixed American, 0.0017%; no homozygotes.

Submission:

Labcorp Genetics (formerly Invitae), Labcorp
Classification: Uncertain significance for Catecholaminergic polymorphic ventricular tachycardia 1. Last evaluated: 2025-12-08. Review status: criteria provided, single submitter. Criteria: Invitae Variant Classification Sherloc (09022015). Collection method: clinical testing. Allele origin: germline.
Comment: This sequence change replaces asparagine, which is neutral and polar, with serine, which is neutral and polar, at codon 295 of the CASQ2 protein (p.Asn295Ser). This variant is present in population databases (rs781565627, gnomAD 0.003%). This variant has not been reported in the literature in individuals affected with CASQ2-related conditions. ClinVar contains an entry for this variant (Variation ID: 1419250). Invitae Evidence Modeling of protein sequence and biophysical properties (such as structural, functional, and spatial information, amino acid conservation, physicochemical variation, residue mobility, and thermodynamic stability) indicates that this missense variant is not expected to disrupt CASQ2 protein function with a negative predictive value of 80%. In summary, the available evidence is currently insufficient to determine the role of this variant in disease. Therefore, it has been classified as a Variant of Uncertain Significance.